The following is an entry in ClinVar:

ClinVar aggregate classification (germline): Uncertain significance. Review status: criteria provided, multiple submitters, no conflicts (2 of 4 stars). 2 submissions from 2 submitters: Uncertain significance (2). Last evaluated 2024-03-10.

Conditions:
Hereditary cancer-predisposing syndrome. Also called: Neoplastic Syndromes, Hereditary; Hereditary Cancer Syndrome; Tumor predisposition; Hereditary neoplastic syndrome. Identifiers: Orphanet 140162, MedGen C0027672, MeSH D009386, MONDO:0015356.
Hereditary nonpolyposis colorectal neoplasms. Identifiers: MedGen C0009405, MeSH D003123.

Submissions (2):

Labcorp Genetics (formerly Invitae), Labcorp
Classification: Uncertain significance for Hereditary nonpolyposis colorectal neoplasms. Last evaluated: 2024-03-10. Review status: criteria provided, single submitter. Criteria: Invitae Variant Classification Sherloc (09022015). Collection method: clinical testing. Allele origin: germline.
Comment: This sequence change replaces methionine, which is neutral and non-polar, with valine, which is neutral and non-polar, at codon 1137 of the MSH6 protein (p.Met1137Val). This variant is not present in population databases (gnomAD no frequency). This variant has not been reported in the literature in individuals affected with MSH6-related conditions. ClinVar contains an entry for this variant (Variation ID: 582549). Advanced modeling of protein sequence and biophysical properties (such as structural, functional, and spatial information, amino acid conservation, physicochemical variation, residue mobility, and thermodynamic stability) has been performed at Invitae for this missense variant, however the output from this modeling did not meet the statistical confidence thresholds required to predict the impact of this variant on MSH6 protein function. In summary, the available evidence is currently insufficient to determine the role of this variant in disease. Therefore, it has been classified as a Variant of Uncertain Significance.

Ambry Genetics
Classification: Uncertain significance for Hereditary cancer-predisposing syndrome. Last evaluated: 2024-02-01. Review status: criteria provided, single submitter. Criteria: Ambry Variant Classification Scheme 2023. Collection method: clinical testing. Allele origin: germline.
Comment: The p.M1137V variant (also known as c.3409A>G), located in coding exon 5 of the MSH6 gene, results from an A to G substitution at nucleotide position 3409. The methionine at codon 1137 is replaced by valine, an amino acid with highly similar properties. This amino acid position is highly conserved in available vertebrate species. In addition, this alteration is predicted to be deleterious by in silico analysis. Based on the available evidence, the clinical significance of this alteration remains unclear.

NM_000179.3(MSH6):c.3409A>G (p.Met1137Val)

Gene: MSH6 (mutS homolog 6; plus strand). Cytogenetic location: 2p16.3.
Variant type: single nucleotide variant.
Coding change: c.3409A>G on transcript NM_000179.3 (MANE Select); coding-DNA position 3409, A replaced by G.
Protein change: p.Met1137Val; replaces methionine 1137 with valine.
Molecular consequence: missense variant.
Genome position (GRCh38, 1-based): chr2:47,803,656, A>G. VCF-style: chr2-47803656-A-G. GRCh37 (hg19) VCF-style: chr2-48030795-A-G.
Other names: c.3019A>G, p.Met1007Val (NM_001281492.2); c.2503A>G, p.Met835Val (NM_001281493.2, NM_001281494.2); short protein forms M1137V, M835V, M1007V.
Identifiers: ClinVar variation 582549 (VCV000582549.10), dbSNP rs1558387808, ClinGen allele CA346758898.